The following is an entry in ClinVar:

ClinVar aggregate classification (germline): Uncertain significance (1 of 4 stars; one submission).

Conditions:
Inborn genetic diseases. Identifiers: MedGen C0950123, MeSH D030342.

Submission:

Ambry Genetics
Classification: Uncertain significance for Inborn genetic diseases. Last evaluated: 2025-10-17. Review status: criteria provided, single submitter. Criteria: Ambry Variant Classification Scheme 2023. Collection method: clinical testing. Allele origin: germline.
Comment: The c.2818+1207G>A intronic alteration consists of a G to A substitution 1207 nucleotides after exon 27 (coding exon 27) of the OPA1 gene. This variant was not reported in population-based cohorts in the Genome Aggregation Database (gnomAD). This nucleotide position is not well conserved in available vertebrate species. In silico splice site analysis predicts that this alteration will result in the creation or strengthening of a novel splice donor site. Based on insufficient or conflicting evidence, the clinical significance of this alteration remains unclear.

NM_130837.3(OPA1):c.2983+1207G>A

Gene: OPA1 (OPA1 mitochondrial dynamin like GTPase; plus strand). Cytogenetic location: 3q29.
Variant type: single nucleotide variant.
Coding change: c.2983+1207G>A on transcript NM_130837.3 (MANE Select); 1207 bases into the intron after coding-DNA position 2983, G replaced by A.
Molecular consequence: intron variant.
Genome position (GRCh38, 1-based): chr3:193,668,487, G>A. VCF-style: chr3-193668487-G-A. GRCh37 (hg19) VCF-style: chr3-193386276-G-A.
Other names: c.2446+1207G>A (NM_001354664.2); c.2449+1207G>A (NM_001354663.2); c.2872+1207G>A (NM_130834.3); c.2929+1207G>A (NM_130836.3); c.2818+1207G>A (NM_015560.3); c.2875+1207G>A (NM_130835.3); c.2764+1207G>A (NM_130832.3); c.2821+1207G>A (NM_130833.3); and 1 more.
Identifiers: ClinVar variation 4626673 (VCV004626673.1).